The following is an entry in ClinVar:

NM_031935.3(HMCN1):c.782G>A (p.Arg261His)

Gene: HMCN1 (hemicentin 1; plus strand). Cytogenetic location: 1q31.1.
Variant type: single nucleotide variant.
Coding change: c.782G>A on transcript NM_031935.3 (MANE Select); coding-DNA position 782, G replaced by A.
Protein change: p.Arg261His; replaces arginine 261 with histidine.
Molecular consequence: missense variant.
Genome position (GRCh38, 1-based): chr1:185,909,497, G>A. VCF-style: chr1-185909497-G-A. GRCh37 (hg19) VCF-style: chr1-185878629-G-A.
Other names: short protein forms R261H.
Identifiers: ClinVar variation 294099 (VCV000294099.9), dbSNP rs753817944, ClinGen allele CA1290932.
Genomic context (GRCh38, chr1:185,909,497, plus strand): 5'-ATCCCAGCCTGAAAGAGGTCACTGTGTCTTTGAGTGGGCCTTCTCCAATGATTGAAATTC[G>A]CAATCCTTTAGGTGAGATATATCAAACATCACATAATAAAATACAAAATACATAGAGGGT-3'
Protein context (NP_114141.2, residues 251-271): LSGPSPMIEI[Arg261His]NPLGKLIKKG

ClinVar aggregate classification (germline): Uncertain significance. Review status: criteria provided, multiple submitters, no conflicts (2 of 4 stars). 3 submissions from 3 submitters: Uncertain significance (3). Last evaluated 2026-09-02.

Conditions:
Age related macular degeneration 1 (ARMD1). Also called: MACULOPATHY, AGE-RELATED, 1. Identifiers: MedGen C1864205, MONDO:0011285, OMIM 603075.

Allele frequency attached by ClinVar (database versions not stated): TOPMed 0.00002; ExAC 0.00003.
gnomAD v4.1: 96 of 1,612,640 alleles (0.006%); highest among the groups gnomAD compares: Non-Finnish European, 0.0065%; no homozygotes.

Submissions (3):

Ambry Genetics
Classification: Uncertain significance. Last evaluated: 2026-09-02. Review status: criteria provided, single submitter. Criteria: Ambry Variant Classification Scheme 2023. Collection method: clinical testing. Allele origin: germline.

Labcorp Genetics (formerly Invitae), Labcorp
Classification: Uncertain significance. Last evaluated: 2024-07-06. Review status: criteria provided, single submitter. Criteria: Invitae Variant Classification Sherloc (09022015). Collection method: clinical testing. Allele origin: germline.
Comment: This sequence change replaces arginine, which is basic and polar, with histidine, which is basic and polar, at codon 261 of the HMCN1 protein (p.Arg261His). This variant is present in population databases (rs753817944, gnomAD 0.01%). This variant has not been reported in the literature in individuals affected with HMCN1-related conditions. ClinVar contains an entry for this variant (Variation ID: 294099). Algorithms developed to predict the effect of missense changes on protein structure and function output the following: SIFT: "Not Available"; PolyPhen-2: "Benign"; Align-GVGD: "Not Available". The histidine amino acid residue is found in multiple mammalian species, which suggests that this missense change does not adversely affect protein function. In summary, the available evidence is currently insufficient to determine the role of this variant in disease. Therefore, it has been classified as a Variant of Uncertain Significance.

Illumina Laboratory Services, Illumina
Classification: Uncertain significance for Age related macular degeneration 1. Last evaluated: 2018-01-13. Review status: criteria provided, single submitter. Criteria: ICSL Variant Classification Criteria 13 December 2019. Collection method: clinical testing. Allele origin: germline.